The following is an entry in ClinVar:

ClinVar aggregate classification (germline): Uncertain significance (1 of 4 stars; one submission).

Allele frequency attached by ClinVar (database versions not stated): gnomAD 0.00001 and 0.00002; TOPMed 0.00001; gnomAD exomes 0.00002 and 0.00004; ExAC 0.00003; 1000 Genomes Project 30x 0.00016; 1000 Genomes Project 0.00020.
gnomAD v4.1: 25 of 1,613,776 alleles (0.0015%); highest among the groups gnomAD compares: East Asian, 0.0045%; no homozygotes.

Submission:

Labcorp Genetics (formerly Invitae), Labcorp
Classification: Uncertain significance. Last evaluated: 2022-05-25. Review status: criteria provided, single submitter. Criteria: Invitae Variant Classification Sherloc (09022015). Collection method: clinical testing. Allele origin: germline.
Comment: This sequence change replaces arginine, which is basic and polar, with glutamine, which is neutral and polar, at codon 800 of the TBCK protein (p.Arg800Gln). This variant is present in population databases (rs577718921, gnomAD 0.01%). This variant has not been reported in the literature in individuals affected with TBCK-related conditions. Algorithms developed to predict the effect of missense changes on protein structure and function are either unavailable or do not agree on the potential impact of this missense change (SIFT: "Deleterious"; PolyPhen-2: "Probably Damaging"; Align-GVGD: "Class C0"). Algorithms developed to predict the effect of sequence changes on RNA splicing suggest that this variant may create or strengthen a splice site. In summary, the available evidence is currently insufficient to determine the role of this variant in disease. Therefore, it has been classified as a Variant of Uncertain Significance.

NM_001163435.3(TBCK):c.2399G>A (p.Arg800Gln)

Gene: TBCK (TBC1 domain containing kinase; minus strand). Cytogenetic location: 4q24.
Variant type: single nucleotide variant.
Coding change: c.2399G>A on transcript NM_001163435.3 (MANE Select); coding-DNA position 2399, G replaced by A.
Protein change: p.Arg800Gln; replaces arginine 800 with glutamine.
Molecular consequence: missense variant.
Genome position (GRCh38, 1-based): chr4:106,116,215, C>T on the plus strand (G>A on the coding strand, the complement: TBCK is on the minus strand). VCF-style: chr4-106116215-C-T. GRCh37 (hg19) VCF-style: chr4-107037372-C-T.
Other names: c.2399G>A, p.Arg800Gln (NM_001163436.4); c.2282G>A, p.Arg761Gln (NM_001163437.3); c.1883G>A, p.Arg628Gln (NM_001290768.2); c.2210G>A, p.Arg737Gln (NM_033115.5); short protein forms R737Q, R761Q, R628Q, R800Q.
Identifiers: ClinVar variation 1421484 (VCV001421484.5), dbSNP rs577718921, ClinGen allele CA3034721.